The following is an entry in ClinVar:

NM_002181.4(IHH):c.646G>A (p.Ala216Thr)

Gene: IHH (Indian hedgehog signaling molecule; minus strand). Cytogenetic location: 2q35.
Variant type: single nucleotide variant.
Coding change: c.646G>A on transcript NM_002181.4 (MANE Select); coding-DNA position 646, G replaced by A.
Protein change: p.Ala216Thr; replaces alanine 216 with threonine.
Molecular consequence: missense variant.
Genome position (GRCh38, 1-based): chr2:219,055,797, C>T on the plus strand (G>A on the coding strand, the complement: IHH is on the minus strand). VCF-style: chr2-219055797-C-T. GRCh37 (hg19) VCF-style: chr2-219920519-C-T.
Other names: short protein forms A216T.
Identifiers: ClinVar variation 3700056 (VCV003700056.2).

ClinVar aggregate classification (germline): Uncertain significance (1 of 4 stars; one submission).

Submission:

Labcorp Genetics (formerly Invitae), Labcorp
Classification: Uncertain significance. Last evaluated: 2025-11-13. Review status: criteria provided, single submitter. Criteria: Invitae Variant Classification Sherloc (09022015). Collection method: clinical testing. Allele origin: germline.
Comment: This sequence change replaces alanine, which is neutral and non-polar, with threonine, which is neutral and polar, at codon 216 of the IHH protein (p.Ala216Thr). This variant is present in population databases (rs771917189, gnomAD 0.005%). This variant has not been reported in the literature in individuals affected with IHH-related conditions. ClinVar contains an entry for this variant (Variation ID: 3700056). Invitae Evidence Modeling of protein sequence and biophysical properties (such as structural, functional, and spatial information, amino acid conservation, physicochemical variation, residue mobility, and thermodynamic stability) indicates that this missense variant is not expected to disrupt IHH protein function with a negative predictive value of 80%. In summary, the available evidence is currently insufficient to determine the role of this variant in disease. Therefore, it has been classified as a Variant of Uncertain Significance.